The following is an entry in ClinVar:

NM_002454.3(MTRR):c.1552C>T (p.Pro518Ser)

Gene: MTRR (5-methyltetrahydrofolate-homocysteine methyltransferase reductase; plus strand). Cytogenetic location: 5p15.31.
Variant type: single nucleotide variant.
Coding change: c.1552C>T on transcript NM_002454.3 (MANE Select); coding-DNA position 1552, C replaced by T.
Protein change: p.Pro518Ser; replaces proline 518 with serine.
Molecular consequence: missense variant. On other transcripts: non-coding transcript variant (14).
Genome position (GRCh38, 1-based): chr5:7,892,908, C>T. VCF-style: chr5-7892908-C-T. GRCh37 (hg19) VCF-style: chr5-7893021-C-T.
Other names: c.1552C>T, p.Pro518Ser (NM_001364440.2, NM_001364441.2, NM_001364442.2 and 1 more transcripts); short protein forms P518S.
Identifiers: ClinVar variation 2155440 (VCV002155440.1), dbSNP rs758047403, ClinGen allele CA3195970.
Genomic context (GRCh38, chr5:7,892,908, plus strand): 5'-GCTTCAGTTCTTCAGCCAAACATACATGCATCCCATGAAGACAGCGGGAAAGCCCTGGCT[C>T]CTAAGGTAAGAAATTAGTACCTTAACCTCAGCATTGTTAACTCATACTCTTTGTTTCATT-3'
Protein context (NP_002445.2, residues 508-528): SHEDSGKALA[Pro518Ser]KISISPRTTN

ClinVar aggregate classification (germline): Uncertain significance (1 of 4 stars; one submission).

Conditions:
Methylcobalamin deficiency type cblE (HMAE). Also called: HOMOCYSTINURIA-MEGALOBLASTIC ANEMIA, cblE TYPE; VITAMIN B12-RESPONSIVE HOMOCYSTINURIA, cblE TYPE; HOMOCYSTINURIA-MEGALOBLASTIC ANEMIA, cblE COMPLEMENTATION TYPE. Identifiers: Orphanet 2169, Orphanet 622, MedGen C1856057, MONDO:0009354, OMIM 236270.

Allele frequency attached by ClinVar (database versions not stated): gnomAD exomes below 0.00001; TOPMed below 0.00001; ExAC 0.00001; gnomAD 0.00001.

Submission:

Labcorp Genetics (formerly Invitae), Labcorp
Classification: Uncertain significance for Methylcobalamin deficiency type cblE. Last evaluated: 2022-06-13. Review status: criteria provided, single submitter. Criteria: Invitae Variant Classification Sherloc (09022015). Collection method: clinical testing. Allele origin: germline.
Comment: This sequence change replaces proline, which is neutral and non-polar, with serine, which is neutral and polar, at codon 518 of the MTRR protein (p.Pro518Ser). This variant is present in population databases (rs758047403, gnomAD 0.004%). This variant has not been reported in the literature in individuals affected with MTRR-related conditions. Algorithms developed to predict the effect of missense changes on protein structure and function output the following: SIFT: "Tolerated"; PolyPhen-2: "Benign"; Align-GVGD: "Class C0". The serine amino acid residue is found in multiple mammalian species, which suggests that this missense change does not adversely affect protein function. In summary, the available evidence is currently insufficient to determine the role of this variant in disease. Therefore, it has been classified as a Variant of Uncertain Significance.